The following is an entry in ClinVar:

NM_000156.6(GAMT):c.50del (p.Ser17fs)

Genes: GAMT (guanidinoacetate N-methyltransferase; minus strand), LOC130062945 (ATAC-STARR-seq lymphoblastoid silent region 9707; plus strand). Cytogenetic location: 19p13.3.
Variant type: Deletion.
Coding change: c.50del on transcript NM_000156.6 (MANE Select); coding-DNA position 50, one base deleted (G; older notation c.50delG).
Protein change: p.Ser17fs; shifts the reading frame from serine 17.
Molecular consequence: frameshift variant.
Genome position (GRCh38, 1-based): chr19:1,401,427, C deleted on the plus strand (G on the coding strand, the reverse complement: GAMT is on the minus strand). VCF-style (leftmost placement, unchanged base first): chr19-1401426-GC-G. GRCh37 (hg19) VCF-style: chr19-1401425-GC-G.
Other names: c.50del, p.Ser17fs (NM_138924.3); short protein forms S17fs.
Identifiers: ClinVar variation 2675839 (VCV002675839.4), dbSNP rs2512229186, ClinGen allele CA2695198107.

ClinVar aggregate classification (germline): Pathogenic/Likely pathogenic. Review status: criteria provided, multiple submitters, no conflicts (2 of 4 stars). 2 submissions from 2 submitters: Pathogenic (1); Likely pathogenic (1). Last evaluated 2023-02-05.

Conditions:
Deficiency of guanidinoacetate methyltransferase (CCDS2). Also called: Guanidinoacetate Methyltransferase (GAMT) Deficiency; GAMT DEFICIENCY; CEREBRAL CREATINE DEFICIENCY SYNDROME 2. Identifiers: Orphanet 382, MedGen C0574080, MONDO:0012999, OMIM 612736.
Cerebral creatine deficiency syndrome. Also called: Creatine deficiency syndromes. Identifiers: Orphanet 79172, MedGen C5244016, MONDO:0000456.

Submissions (2):

Labcorp Genetics (formerly Invitae), Labcorp
Classification: Pathogenic for Cerebral creatine deficiency syndrome. Last evaluated: 2023-02-05. Review status: criteria provided, single submitter. Criteria: Invitae Variant Classification Sherloc (09022015). Collection method: clinical testing. Allele origin: germline.
Comment: For these reasons, this variant has been classified as Pathogenic. This variant has not been reported in the literature in individuals affected with GAMT-related conditions. This variant is not present in population databases (gnomAD no frequency). This sequence change creates a premature translational stop signal (p.Ser17Thrfs*25) in the GAMT gene. It is expected to result in an absent or disrupted protein product. Loss-of-function variants in GAMT are known to be pathogenic (PMID: 15108290).

Baylor Genetics
Classification: Likely pathogenic for Deficiency of guanidinoacetate methyltransferase. Last evaluated: 2021-11-24. Review status: criteria provided, single submitter. Criteria: ACMG Guidelines, 2015. Collection method: clinical testing. Allele origin: unknown.

Literature cited by the submitters: PubMed 15108290 (cited by Labcorp Genetics (formerly Invitae), Labcorp).